The following is an entry in ClinVar:

NM_052963.3(TOP1MT):c.395G>A (p.Ser132Asn)

Gene: TOP1MT (DNA topoisomerase I mitochondrial; minus strand). Cytogenetic location: 8q24.3.
Variant type: single nucleotide variant.
Coding change: c.395G>A on transcript NM_052963.3 (MANE Select); coding-DNA position 395, G replaced by A.
Protein change: p.Ser132Asn; replaces serine 132 with asparagine.
Molecular consequence: missense variant.
Genome position (GRCh38, 1-based): chr8:143,326,310, C>T on the plus strand (G>A on the coding strand, the complement: TOP1MT is on the minus strand). VCF-style: chr8-143326310-C-T. GRCh37 (hg19) VCF-style: chr8-144408480-C-T.
Other names: c.101G>A, p.Ser34Asn (NM_001258446.1, NM_001258447.1); short protein forms S132N, S34N.
Identifiers: ClinVar variation 3809517 (VCV003809517.2).

ClinVar aggregate classification (germline): Uncertain significance. Review status: criteria provided, multiple submitters, no conflicts (2 of 4 stars). 2 submissions from 2 submitters: Uncertain significance (2). Last evaluated 2026-01-05.

gnomAD v4.1: 327 of 1,613,942 alleles (0.02%); highest among the groups gnomAD compares: Non-Finnish European, 0.026%; no homozygotes.

Submissions (2):

Labcorp Genetics (formerly Invitae), Labcorp
Classification: Uncertain significance. Last evaluated: 2026-01-05. Review status: criteria provided, single submitter. Criteria: Invitae Variant Classification Sherloc (09022015). Collection method: clinical testing. Allele origin: germline.
Comment: This sequence change replaces serine, which is neutral and polar, with asparagine, which is neutral and polar, at codon 132 of the TOP1MT protein (p.Ser132Asn). This variant is present in population databases (rs200202396, gnomAD 0.03%). This variant has not been reported in the literature in individuals affected with TOP1MT-related conditions. ClinVar contains an entry for this variant (Variation ID: 3809517). An algorithm developed to predict the effect of missense changes on protein structure and function (PolyPhen-2) suggests that this variant is likely to be tolerated. In summary, the available evidence is currently insufficient to determine the role of this variant in disease. Therefore, it has been classified as a Variant of Uncertain Significance.

Ambry Genetics
Classification: Uncertain significance. Last evaluated: 2025-01-02. Review status: criteria provided, single submitter. Criteria: Ambry Variant Classification Scheme 2023. Collection method: clinical testing. Allele origin: germline.